The following is an entry in ClinVar:

NM_005330.4(HBE1):c.33C>T (p.Ala11=)

Gene: HBE1 (hemoglobin subunit epsilon 1; minus strand). Cytogenetic location: 11p15.4.
Variant type: single nucleotide variant.
Coding change: c.33C>T on transcript NM_005330.4 (MANE Select); coding-DNA position 33, C replaced by T.
Protein change: p.Ala11=; no amino-acid change (alanine 11 retained).
Molecular consequence: synonymous variant.
Genome position (GRCh38, 1-based): chr11:5,269,858, G>A on the plus strand (C>T on the coding strand, the complement: HBE1 is on the minus strand). VCF-style: chr11-5269858-G-A. GRCh37 (hg19) VCF-style: chr11-5291088-G-A.
Identifiers: ClinVar variation 3040733 (VCV003040733.2), dbSNP rs111330211, ClinGen allele CA5840430.

ClinVar aggregate classification (germline): Benign (0 of 4 stars; one submission).

Conditions:
HBE1-related disorder. Also called: HBE1-related condition.

Allele frequency attached by ClinVar (database versions not stated): 1000 Genomes Project 0.00280; 1000 Genomes Project 30x 0.00297; gnomAD 0.00334; TOPMed 0.00368; ESP Exome Variant Server 0.00431.
gnomAD v4.1: 994 of 1,613,668 alleles (0.062%); highest among the groups gnomAD compares: African/African-American, 1.2%; 7 homozygotes.

Submission:

PreventionGenetics, part of Exact Sciences
Classification: Benign for HBE1-related condition. Last evaluated: 2019-10-28. Review status: no assertion criteria provided. Collection method: clinical testing. Allele origin: germline.
Comment: This variant is classified as benign based on ACMG/AMP sequence variant interpretation guidelines (Richards et al. 2015 PMID: 25741868, with internal and published modifications).